The following is an entry in ClinVar:

ClinVar aggregate classification (germline): Uncertain significance. Review status: criteria provided, single submitter (1 of 4 stars). 2 submissions from 2 submitters: Uncertain significance (1). 1 of the submissions does not count toward it. Last evaluated 2022-05-12.

Conditions:
BBS4-related disorder. Also called: BBS4-related condition.
Bardet-Biedl syndrome (BBS). Identifiers: Orphanet 110, MedGen C0752166, MONDO:0015229.

Submissions (2):

Labcorp Genetics (formerly Invitae), Labcorp
Classification: Uncertain significance for Bardet-Biedl syndrome. Last evaluated: 2022-05-12. Review status: criteria provided, single submitter. Criteria: Invitae Variant Classification Sherloc (09022015). Collection method: clinical testing. Allele origin: germline.
Comment: This variant occurs in a non-coding region of the BBS4 gene. It does not change the encoded amino acid sequence of the BBS4 protein. This variant is present in population databases (no rsID available, gnomAD 0.06%). This variant has not been reported in the literature in individuals affected with BBS4-related conditions. Experimental studies and prediction algorithms are not available or were not evaluated, and the functional significance of this variant is currently unknown. In summary, the available evidence is currently insufficient to determine the role of this variant in disease. Therefore, it has been classified as a Variant of Uncertain Significance.

PreventionGenetics, part of Exact Sciences
Classification: Likely benign for BBS4-related condition. Last evaluated: 2021-12-30. Review status: no assertion criteria provided. Collection method: clinical testing. Allele origin: germline. Not counted in ClinVar's aggregate classification.
Comment: This variant is classified as likely benign based on ACMG/AMP sequence variant interpretation guidelines (Richards et al. 2015 PMID: 25741868, with internal and published modifications).

NM_033028.5(BBS4):c.*1_*2delGA

Gene: BBS4 (Bardet-Biedl syndrome 4; plus strand). Cytogenetic location: 15q24.1.
Variant type: Deletion.
Coding change: c.*1_*2delGA on transcript NM_033028.5 (MANE Select); 1 bases downstream of the stop codon through 2 bases downstream of the stop codon, 2 bases deleted (GA).
Molecular consequence: no sequence alteration. On other transcripts: non-coding transcript variant (2).
Genome position (GRCh38, 1-based): chr15:72,737,588-72,737,589, GA deleted; deleting any 2 consecutive bases within chr15:72,737,587-72,737,589 gives the same sequence; the c. name uses the placement nearest the transcript's 3' end. VCF-style (leftmost placement, unchanged base first): chr15-72737586-AAG-A. GRCh37 (hg19) VCF-style: chr15-73029927-AAG-A.
Other names: c.*1_*2delGA (NM_033028.4, NM_001252678.2, NM_001320665.2).
Identifiers: ClinVar variation 2088101 (VCV002088101.2), dbSNP rs1374295292, ClinGen allele CA619070939.